The following is an entry in ClinVar:

NM_000256.3(MYBPC3):c.3504G>T (p.Glu1168Asp)

Gene: MYBPC3 (myosin binding protein C3; minus strand). Cytogenetic location: 11p11.2.
Variant type: single nucleotide variant.
Coding change: c.3504G>T on transcript NM_000256.3 (MANE Select); coding-DNA position 3504, G replaced by T.
Protein change: p.Glu1168Asp; replaces glutamic acid 1168 with aspartic acid.
Molecular consequence: missense variant.
Genome position (GRCh38, 1-based): chr11:47,332,689, C>A on the plus strand (G>T on the coding strand, the complement: MYBPC3 is on the minus strand). VCF-style: chr11-47332689-C-A. GRCh37 (hg19) VCF-style: chr11-47354240-C-A.
Other names: short protein forms E1168D.
Identifiers: ClinVar variation 3387090 (VCV003387090.1).
Genomic context (GRCh38, chr11:47,332,689, plus strand): 5'-CACCAGGGGCTGGGTGAAGCTTGGGGCCTCGGAGAAGTCCAGGGCCTTATAGTTGGGTGG[C>A]TCATAGGTGATGCCTGTTGGTGACAGGACTTGGTACCGAGAGGGCCACACAAAGCTAGGC-3'
Protein context (NP_000247.2, residues 1158-1178): VFIPRPGITY[Glu1168Asp]PPNYKALDFS

ClinVar aggregate classification (germline): Uncertain significance (1 of 4 stars; one submission).

Conditions:
Hypertrophic cardiomyopathy. Also called: HYPERTROPHIC MYOCARDIOPATHY. Identifiers: Orphanet 217569, MedGen C0007194, MeSH D002312, MONDO:0005045, HP:0001639.

gnomAD v4.1: 1 of 1,610,540 alleles (0.000062%); highest among the groups gnomAD compares: Non-Finnish European, 0.000085%; no homozygotes.

Submission:

All of Us Research Program, National Institutes of Health
Classification: Uncertain significance for Hypertrophic cardiomyopathy. Last evaluated: 2024-08-06. Review status: criteria provided, single submitter. Criteria: ACMG Guidelines, 2015. Collection method: clinical testing. Allele origin: germline. Inheritance: Autosomal dominant inheritance. Observed: 1 variant allele, 1 heterozygote.
Comment: This study involves interpretation of variants in research participants for the purpose of population health screening. Participant phenotype was not available at the time of variant classification. Additional details can be found in publication PMID: 35346344, PMCID: PMC8962531